The following is an entry in ClinVar:

ClinVar aggregate classification (germline): Likely pathogenic. Review status: criteria provided, multiple submitters, no conflicts (2 of 4 stars). 2 submissions from 2 submitters: Likely pathogenic (2). Last evaluated 2024-06-07.

Conditions:
Inborn genetic diseases. Identifiers: MedGen C0950123, MeSH D030342.
Mucopolysaccharidosis, MPS-II (MPS2). Also called: Mucopolysaccharidosis with skin involvement; Mucopolysaccharidosis type 2; IDURONATE 2-SULFATASE DEFICIENCY; Mucopolysaccharidosis Type II; Attenuated MPS (subtype; formerly known as mild MPS II); Severe MPS II. Identifiers: Orphanet 580, Orphanet 79388, MedGen C0026705, MONDO:0010674, OMIM 309900.

Submissions (2):

Laboratory of Diagnosis and Therapy of Lysosomal Disorders, University of Padova
Classification: Likely pathogenic for Mucopolysaccharidosis, MPS-II. Last evaluated: 2024-06-07. Review status: criteria provided, single submitter. Criteria: ACMG Guidelines, 2015. Collection method: literature only. Allele origin: germline. Affected: yes. Observed: 1 variant allele.
Comment: Absent from controls (or at low frequency) in gnomAD database (PM2_Moderate), Missense variant in a gene with a low rate of benign missense variation (PP2_Supporting), Multiple lines of computational evidence support a deleterious effect (PP3_Supporting), Patient’s phenotype or family history highly specific for the disease (PP4_Strong)

Classification method: ACMG Guidelines [PMID:25741868] with modifications

Ambry Genetics
Classification: Likely pathogenic for Inborn genetic diseases. Last evaluated: 2021-04-29. Review status: criteria provided, single submitter. Criteria: Ambry Variant Classification Scheme 2023. Collection method: clinical testing. Allele origin: germline.
Comment: The c.1406C>G (p.P469R) alteration is located in exon 9 (coding exon 9) of the IDS gene. This alteration results from a C to G substitution at nucleotide position 1406, causing the proline (P) at amino acid position 469 to be replaced by an arginine (R). Based on data from the Genome Aggregation Database (gnomAD), the IDS c.1406C>G alteration was not observed, with coverage at this position. This alteration was reported in a patient with MPS II and low iduronate-2-sulfatase enzyme activity in plasma (Pollard, 2013). In addition, two other alterations affecting the same amino acid, p.P469H and p.P469L, were reported in patients with MPS II (Jonsson, 1995; Kosuga, 2016). This amino acid position is highly conserved in available vertebrate species. The p.P469R alteration is predicted to be deleterious by in silico analysis. Based on the available evidence, this alteration is classified as likely pathogenic.

Literature cited by the submitters: PubMed 22976768 (cited by Laboratory of Diagnosis and Therapy of Lysosomal Disorders, University of Padova and Ambry Genetics); PubMed 7887413 (cited by Ambry Genetics); PubMed 27246110 (cited by Ambry Genetics).

NM_000202.8(IDS):c.1406C>G (p.Pro469Arg)

Gene: IDS (iduronate 2-sulfatase; minus strand). Cytogenetic location: Xq28.
Variant type: single nucleotide variant.
Coding change: c.1406C>G on transcript NM_000202.8 (MANE Select); coding-DNA position 1406, C replaced by G.
Protein change: p.Pro469Arg; replaces proline 469 with arginine.
Molecular consequence: missense variant.
Genome position (GRCh38, 1-based): chrX:149,482,993, G>C on the plus strand (C>G on the coding strand, the complement: IDS is on the minus strand). VCF-style: chrX-149482993-G-C. GRCh37 (hg19) VCF-style: chrX-148564524-G-C.
Other names: c.1136C>G, p.Pro379Arg (NM_001166550.4); short protein forms P469R, P379R.
Identifiers: ClinVar variation 2230429 (VCV002230429.4), dbSNP rs2123994360, ClinGen allele CA414518165.